The following is an entry in ClinVar:

NM_052947.4(ALPK2):c.1763C>T (p.Ala588Val)

Gene: ALPK2 (alpha kinase 2; minus strand). Cytogenetic location: 18q21.31.
Variant type: single nucleotide variant.
Coding change: c.1763C>T on transcript NM_052947.4 (MANE Select); coding-DNA position 1763, C replaced by T.
Protein change: p.Ala588Val; replaces alanine 588 with valine.
Molecular consequence: missense variant.
Genome position (GRCh38, 1-based): chr18:58,579,013, G>A on the plus strand (C>T on the coding strand, the complement: ALPK2 is on the minus strand). VCF-style: chr18-58579013-G-A. GRCh37 (hg19) VCF-style: chr18-56246245-G-A.
Other names: short protein forms A588V.
Identifiers: ClinVar variation 1779620 (VCV001779620.2), dbSNP rs1043755247, ClinGen allele CA300926987.

ClinVar aggregate classification (germline): Uncertain significance (1 of 4 stars; one submission).

Allele frequency attached by ClinVar (database versions not stated): TOPMed below 0.00001.

Submission:

Ambry Genetics
Classification: Uncertain significance. Last evaluated: 2021-09-29. Review status: criteria provided, single submitter. Criteria: Ambry Variant Classification Scheme 2023. Collection method: clinical testing. Allele origin: germline.
Comment: The p.A588V variant (also known as c.1763C>T), located in coding exon 3 of the ALPK2 gene, results from a C to T substitution at nucleotide position 1763. The alanine at codon 588 is replaced by valine, an amino acid with similar properties. This amino acid position is conserved. In addition, this alteration is predicted to be tolerated by in silico analysis. Since supporting evidence is limited at this time, the clinical significance of this alteration remains unclear.